The following is an entry in ClinVar:

NM_000321.3(RB1):c.1861C>G (p.Arg621Gly)

Gene: RB1 (RB transcriptional corepressor 1; plus strand). Cytogenetic location: 13q14.2.
Variant type: single nucleotide variant.
Coding change: c.1861C>G on transcript NM_000321.3 (MANE Select); coding-DNA position 1861, C replaced by G.
Protein change: p.Arg621Gly; replaces arginine 621 with glycine.
Molecular consequence: missense variant.
Genome position (GRCh38, 1-based): chr13:48,456,250, C>G. VCF-style: chr13-48456250-C-G. GRCh37 (hg19) VCF-style: chr13-49030386-C-G.
Other names: short protein forms R621G.
Identifiers: ClinVar variation 237665 (VCV000237665.14), dbSNP rs367578442, ClinGen allele CA032891.

ClinVar aggregate classification (germline): Benign/Likely benign. Review status: criteria provided, multiple submitters, no conflicts (2 of 4 stars). 3 submissions from 3 submitters: Benign (2); Likely benign (1). Last evaluated 2026-06-22.

Conditions:
Hereditary cancer-predisposing syndrome. Also called: Hereditary neoplastic syndrome; Neoplastic Syndromes, Hereditary; Hereditary Cancer Syndrome; Tumor predisposition. Identifiers: Orphanet 140162, MedGen C0027672, MeSH D009386, MONDO:0015356.
Retinoblastoma (RB1). Also called: RETINOBLASTOMA, SOMATIC. Identifiers: Orphanet 790, MedGen C0035335, MeSH D012175, MONDO:0008380, OMIM 180200, HP:0009919. Disease mechanism: loss of function. Inheritance: Both sporadic and heritable forms are tested..

gnomAD v4.1: 24 of 1,614,138 alleles (0.0015%); highest among the groups gnomAD compares: South Asian, 0.025%; no homozygotes.

Submissions (3):

Myriad Genetics, Inc.
Classification: Likely benign for Retinoblastoma. Last evaluated: 2026-06-22. Review status: criteria provided, single submitter. Criteria: Myriad Autosomal Dominant, Autosomal Recessive and X-Linked Classification Criteria (2023). Collection method: clinical testing. Allele origin: unknown.
Comment: This variant is considered likely benign. This variant has been observed at a population frequency that is significantly greater than expected given the associated disease prevalence and penetrance.

Labcorp Genetics (formerly Invitae), Labcorp
Classification: Benign for Retinoblastoma. Last evaluated: 2025-11-23. Review status: criteria provided, single submitter. Criteria: Invitae Variant Classification Sherloc (09022015). Collection method: clinical testing. Allele origin: germline.

Ambry Genetics
Classification: Benign for Hereditary cancer-predisposing syndrome. Last evaluated: 2022-04-13. Review status: criteria provided, single submitter. Criteria: Ambry Variant Classification Scheme 2023. Collection method: clinical testing. Allele origin: germline.